The following is an entry in ClinVar:

ClinVar aggregate classification (germline): Likely benign (1 of 4 stars; one submission).

Submission:

CeGaT Center for Human Genetics Tuebingen
Classification: Likely benign. Last evaluated: 2024-07-01. Review status: criteria provided, single submitter. Criteria: CeGaT Center For Human Genetics Tuebingen Variant Classification Criteria Version 2. Collection method: clinical testing. Allele origin: germline. Affected: yes. Observed: 1 variant allele.
Comment: FLII: PM2:Supporting, BP4, BP7

NM_002018.4(FLII):c.525C>T (p.His175=)

Gene: FLII (FLII actin remodeling protein; minus strand). Cytogenetic location: 17p11.2.
Variant type: single nucleotide variant.
Coding change: c.525C>T on transcript NM_002018.4 (MANE Select); coding-DNA position 525, C replaced by T.
Protein change: p.His175=; no amino-acid change (histidine 175 retained).
Molecular consequence: synonymous variant. On other transcripts: intron variant (1).
Genome position (GRCh38, 1-based): chr17:18,254,571, G>A on the plus strand (C>T on the coding strand, the complement: FLII is on the minus strand). VCF-style: chr17-18254571-G-A. GRCh37 (hg19) VCF-style: chr17-18157885-G-A.
Other names: c.492C>T, p.His164= (NM_001256264.2); c.413+198C>T (NM_001256265.2).
Identifiers: ClinVar variation 3257148 (VCV003257148.17).